The following is an entry in ClinVar:

NM_015559.3(SETBP1):c.79C>T (p.Pro27Ser)

Gene: SETBP1 (SET binding protein 1; plus strand). Cytogenetic location: 18q12.3.
Variant type: single nucleotide variant.
Coding change: c.79C>T on transcript NM_015559.3 (MANE Select); coding-DNA position 79, C replaced by T.
Protein change: p.Pro27Ser; replaces proline 27 with serine.
Molecular consequence: missense variant.
Genome position (GRCh38, 1-based): chr18:44,701,425, C>T. VCF-style: chr18-44701425-C-T. GRCh37 (hg19) VCF-style: chr18-42281390-C-T.
Other names: c.79C>T (NM_015559.2); c.79C>T, p.Pro27Ser (NM_001130110.2, NM_001379141.1, NM_001379142.1); short protein forms P27S.
Identifiers: ClinVar variation 1402103 (VCV001402103.10), dbSNP rs751389887, ClinGen allele CA8945322.

ClinVar aggregate classification (germline): Uncertain significance. Review status: criteria provided, multiple submitters, no conflicts (2 of 4 stars). 2 submissions from 2 submitters: Uncertain significance (2). Last evaluated 2023-02-25.

Conditions:
Inborn genetic diseases. Identifiers: MedGen C0950123, MeSH D030342.

Allele frequency attached by ClinVar (database versions not stated): gnomAD exomes below 0.00001 and 0.00001; ExAC 0.00002.
gnomAD v4.1: 8 of 1,599,430 alleles (0.0005%); highest among the groups gnomAD compares: Middle Eastern, 0.066%; no homozygotes.

Submissions (2):

Labcorp Genetics (formerly Invitae), Labcorp
Classification: Uncertain significance. Last evaluated: 2023-02-25. Review status: criteria provided, single submitter. Criteria: Invitae Variant Classification Sherloc (09022015). Collection method: clinical testing. Allele origin: germline.
Comment: This variant has not been reported in the literature in individuals affected with SETBP1-related conditions. This sequence change replaces proline, which is neutral and non-polar, with serine, which is neutral and polar, at codon 27 of the SETBP1 protein (p.Pro27Ser). This variant is present in population databases (rs751389887, gnomAD 0.003%). ClinVar contains an entry for this variant (Variation ID: 1402103). Algorithms developed to predict the effect of missense changes on protein structure and function output the following: SIFT: "Not Available"; PolyPhen-2: "Benign"; Align-GVGD: "Not Available". The serine amino acid residue is found in multiple mammalian species, which suggests that this missense change does not adversely affect protein function. In summary, the available evidence is currently insufficient to determine the role of this variant in disease. Therefore, it has been classified as a Variant of Uncertain Significance.

Ambry Genetics
Classification: Uncertain significance for Inborn genetic diseases. Last evaluated: 2021-07-19. Review status: criteria provided, single submitter. Criteria: Ambry Variant Classification Scheme 2023. Collection method: clinical testing. Allele origin: germline.
Comment: The c.79C>T (p.P27S) alteration is located in exon 2 (coding exon 1) of the SETBP1 gene. This alteration results from a C to T substitution at nucleotide position 79, causing the proline (P) at amino acid position 27 to be replaced by a serine (S). Based on data from the Genome Aggregation Database (gnomAD), the SETBP1 c.79C>T alteration was observed in <0.01% (1/227,232) of total alleles studied. This amino acid position is not well conserved in available vertebrate species. The p.P27S alteration is predicted to be tolerated by in silico analysis. Based on insufficient or conflicting evidence, the clinical significance of this alteration remains unclear.